The following is an entry in ClinVar:

ClinVar aggregate classification (germline): Likely benign. Review status: criteria provided, multiple submitters, no conflicts (2 of 4 stars). 2 submissions from 2 submitters: Likely benign (2). Last evaluated 2026-03-01.

Allele frequency attached by ClinVar (database versions not stated): ExAC 0.00001; gnomAD 0.00001; gnomAD exomes 0.00001.
gnomAD v4.1: 9 of 1,614,052 alleles (0.00056%); highest among the groups gnomAD compares: East Asian, 0.0022%; no homozygotes.

Submissions (2):

CeGaT Center for Human Genetics Tuebingen
Classification: Likely benign. Last evaluated: 2026-03-01. Review status: criteria provided, single submitter. Criteria: CeGaT Center For Human Genetics Tuebingen Variant Classification Criteria Version 2. Collection method: clinical testing. Allele origin: germline. Affected: yes. Observed: 1 variant allele.
Comment: KAT6A: BP4

Labcorp Genetics (formerly Invitae), Labcorp
Classification: Likely benign. Last evaluated: 2023-10-13. Review status: criteria provided, single submitter. Criteria: Invitae Variant Classification Sherloc (09022015). Collection method: clinical testing. Allele origin: germline.

NM_006766.5(KAT6A):c.3946G>A (p.Ala1316Thr)

Gene: KAT6A (lysine acetyltransferase 6A; minus strand). Cytogenetic location: 8p11.21.
Variant type: single nucleotide variant.
Coding change: c.3946G>A on transcript NM_006766.5 (MANE Select); coding-DNA position 3946, G replaced by A.
Protein change: p.Ala1316Thr; replaces alanine 1316 with threonine.
Molecular consequence: missense variant.
Genome position (GRCh38, 1-based): chr8:41,934,274, C>T on the plus strand (G>A on the coding strand, the complement: KAT6A is on the minus strand). VCF-style: chr8-41934274-C-T. GRCh37 (hg19) VCF-style: chr8-41791792-C-T.
Other names: short protein forms A1316T.
Identifiers: ClinVar variation 2793972 (VCV002793972.7), dbSNP rs761902522, ClinGen allele CA4729570.